The following is an entry in ClinVar:

ClinVar aggregate classification (germline): Pathogenic/Likely pathogenic. Review status: criteria provided, multiple submitters, no conflicts (2 of 4 stars). 3 submissions from 3 submitters: Pathogenic (1); Likely pathogenic (2). Last evaluated 2024-09-12.

Conditions:
Arthrogryposis multiplex congenita 6. Identifiers: MedGen C5543431, MONDO:0030281, OMIM 619334.
Nemaline myopathy 2 (NEM2). Also called: Nemaline myopathy 2, autosomal recessive. Identifiers: MedGen C1850569, MONDO:0009725, OMIM 256030.

Submissions (3):

Natera, Inc.
Classification: Likely pathogenic for Nemaline myopathy type 2. Last evaluated: 2024-09-12. Review status: criteria provided, single submitter. Criteria: Natera Variant Classification Schema (03/2026). Collection method: clinical testing. Allele origin: germline.
Comment: The c.17781del variant in NEB is a frameshift variant predicted to shift the reading frame and introduce a stop codon. This variant is expected to result in nonsense mediated decay, truncation, or a dysfunctional protein product. This variant is rare in the general population with a frequency below the threshold expected for the associated phenotype(s). Given the available evidence, this variant is classified as Likely Pathogenic.

Baylor Genetics
Classification: Likely pathogenic for Arthrogryposis multiplex congenita 6. Last evaluated: 2023-11-23. Review status: criteria provided, single submitter. Criteria: ACMG Guidelines, 2015. Collection method: clinical testing. Allele origin: unknown.

Labcorp Genetics (formerly Invitae), Labcorp
Classification: Pathogenic for Nemaline myopathy 2. Last evaluated: 2019-12-06. Review status: criteria provided, single submitter. Criteria: Invitae Variant Classification Sherloc (09022015). Collection method: clinical testing. Allele origin: germline.
Comment: For these reasons, this variant has been classified as Pathogenic. Loss-of-function variants in NEB are known to be pathogenic (PMID: 25205138). This variant has not been reported in the literature in individuals with NEB-related conditions. This variant is not present in population databases (ExAC no frequency). This sequence change creates a premature translational stop signal (p.Tyr5927*) in the NEB gene. It is expected to result in an absent or disrupted protein product.

Literature cited by the submitters: PubMed 25205138 (cited by Labcorp Genetics (formerly Invitae), Labcorp).

NM_001164508.2(NEB):c.17781del (p.Gly5926_Tyr5927insTer)

Gene: NEB (nebulin; minus strand). Cytogenetic location: 2q23.3.
Variant type: Deletion.
Coding change: c.17781del on transcript NM_001164508.2 (MANE Select); coding-DNA position 17781, one base deleted (C; older notation c.17781delC).
Protein change: p.Gly5926_Tyr5927insTer.
Molecular consequence: nonsense.
Genome position (GRCh38, 1-based): chr2:151,568,134, G deleted on the plus strand (C on the coding strand, the reverse complement: NEB is on the minus strand). VCF-style (leftmost placement, unchanged base first): chr2-151568133-TG-T. GRCh37 (hg19) VCF-style: chr2-152424647-TG-T.
Other names: c.17781del, p.Gly5926_Tyr5927insTer (NM_001164507.2, NM_001271208.2); c.12678del, p.Gly4225_Tyr4226insTer (NM_004543.5).
Identifiers: ClinVar variation 852024 (VCV000852024.9), dbSNP rs2096491549, ClinGen allele CA916080277.